The following is an entry in ClinVar:

NM_005219.5(DIAPH1):c.29C>G (p.Pro10Arg)

Gene: DIAPH1 (diaphanous related formin 1; minus strand). Cytogenetic location: 5q31.3.
Variant type: single nucleotide variant.
Coding change: c.29C>G on transcript NM_005219.5 (MANE Select); coding-DNA position 29, C replaced by G.
Protein change: p.Pro10Arg; replaces proline 10 with arginine.
Molecular consequence: missense variant.
Genome position (GRCh38, 1-based): chr5:141,618,886, G>C on the plus strand (C>G on the coding strand, the complement: DIAPH1 is on the minus strand). VCF-style: chr5-141618886-G-C. GRCh37 (hg19) VCF-style: chr5-140998453-G-C.
Other names: c.29C>G, p.Pro10Arg (NM_001079812.3, NM_001314007.2); short protein forms P10R.
Identifiers: ClinVar variation 958109 (VCV000958109.11), dbSNP rs750068600, ClinGen allele CA128436752.
Genomic context (GRCh38, chr5:141,618,886, plus strand): 5'-CCCGCCGAGGGCAGCTCATCTGGGCTCCGGCCCTTCTTCTTGTCCCGGGTCCCGCGGCCG[G>C]GCCCCAGGCTCCCGCCGGGCGGCTCCATGTCCCGGTTCACGCTGGCCGGCGACCCCGCGC-3'
Protein context (NP_005210.3, residues 1-20): MEPPGGSLG[Pro10Arg]GRGTRDKKKG

ClinVar aggregate classification (germline): Uncertain significance. Review status: criteria provided, multiple submitters, no conflicts (2 of 4 stars). 4 submissions from 4 submitters: Uncertain significance (4). Last evaluated 2025-12-18.

Conditions:
Progressive microcephaly-seizures-cortical blindness-developmental delay syndrome. Also called: Seizures, cortical blindness, and microcephaly syndrome. Identifiers: Orphanet 477814, MedGen C5567650, MONDO:0014714, OMIM 616632.
Autosomal dominant nonsyndromic hearing loss 1. Also called: DEAFNESS, AUTOSOMAL DOMINANT 1, WITH OR WITHOUT THROMBOCYTOPENIA; KONIGSMARK SYNDROME. Identifiers: Orphanet 90635, MedGen C1852282, MONDO:0007424, OMIM 124900.
DIAPH1-related disorder. Also called: DIAPH1-related condition.

Allele frequency attached by ClinVar (database versions not stated): TOPMed 0.00003.
gnomAD v4.1: 40 of 1,516,706 alleles (0.0026%); highest among the groups gnomAD compares: Non-Finnish European, 0.0033%; no homozygotes.

Submissions (4):

PreventionGenetics, part of Exact Sciences
Classification: Uncertain significance for DIAPH1-related condition. Last evaluated: 2025-12-18. Review status: criteria provided, single submitter. Criteria: ACMG Guidelines, 2015. Collection method: clinical testing. Allele origin: germline.
Comment: The DIAPH1 c.29C>G variant is predicted to result in the amino acid substitution p.Pro10Arg. To our knowledge, this variant has not been reported in the literature. This variant is reported in 0.025% of alleles in individuals of European (Non-Finnish) descent in gnomAD. At this time, the clinical significance of this variant is uncertain due to the absence of conclusive functional and genetic evidence.

Labcorp Genetics (formerly Invitae), Labcorp
Classification: Uncertain significance for Progressive microcephaly-seizures-cortical blindness-developmental delay syndrome; Autosomal dominant nonsyndromic hearing loss 1. Last evaluated: 2025-06-23. Review status: criteria provided, single submitter. Criteria: Invitae Variant Classification Sherloc (09022015). Collection method: clinical testing. Allele origin: germline.
Comment: This sequence change replaces proline, which is neutral and non-polar, with arginine, which is basic and polar, at codon 10 of the DIAPH1 protein (p.Pro10Arg). This variant is present in population databases (no rsID available, gnomAD 0.03%). This variant has not been reported in the literature in individuals affected with DIAPH1-related conditions. ClinVar contains an entry for this variant (Variation ID: 958109). Experimental studies and prediction algorithms are not available or were not evaluated, and the functional significance of this variant is currently unknown. In summary, the available evidence is currently insufficient to determine the role of this variant in disease. Therefore, it has been classified as a Variant of Uncertain Significance.

GeneDx
Classification: Uncertain significance. Last evaluated: 2025-06-11. Review status: criteria provided, single submitter. Criteria: GeneDx Variant Classification Process June 2021. Collection method: clinical testing. Allele origin: germline. Affected: yes.
Comment: In silico analysis suggests that this missense variant does not alter protein structure/function; Has not been previously published as pathogenic or benign to our knowledge

Department of Pathology and Laboratory Medicine, Sinai Health System
Classification: Uncertain significance for progressive microcephaly-seizures-cortical blindness-developmental delay syndrome. Last evaluated: 2021-10-21. Review status: criteria provided, single submitter. Criteria: ACMG Guidelines, 2015. Collection method: research. Allele origin: germline.